The following is an entry in ClinVar:

ClinVar aggregate classification (germline): Pathogenic (1 of 4 stars; one submission).

Conditions:
Developmental and epileptic encephalopathy, 54. Also called: HNRNPU-Related Neurodevelopmental Disorder; Epileptic encephalopathy, early infantile, 54. Identifiers: MedGen C4479319, MONDO:0033363, OMIM 617391.

Submission:

Labcorp Genetics (formerly Invitae), Labcorp
Classification: Pathogenic for Developmental and epileptic encephalopathy, 54. Last evaluated: 2022-07-16. Review status: criteria provided, single submitter. Criteria: Invitae Variant Classification Sherloc (09022015). Collection method: clinical testing. Allele origin: germline.
Comment: This sequence change creates a premature translational stop signal (p.Glu375Lysfs*9) in the HNRNPU gene. It is expected to result in an absent or disrupted protein product. Loss-of-function variants in HNRNPU are known to be pathogenic (PMID: 22678713, 28283832). This variant is not present in population databases (gnomAD no frequency). This variant has not been reported in the literature in individuals affected with HNRNPU-related conditions. Algorithms developed to predict the effect of sequence changes on RNA splicing suggest that this variant may disrupt the consensus splice site. For these reasons, this variant has been classified as Pathogenic.

Literature cited by the submitters: PubMed 22678713; PubMed 28283832.

NM_031844.3(HNRNPU):c.1122del (p.Glu375fs)

Gene: HNRNPU (heterogeneous nuclear ribonucleoprotein U; minus strand). Cytogenetic location: 1q44.
Variant type: Deletion.
Coding change: c.1122del on transcript NM_031844.3 (MANE Select); coding-DNA position 1122, one base deleted (A; older notation c.1122delA).
Protein change: p.Glu375fs; shifts the reading frame from glutamic acid 375.
Molecular consequence: frameshift variant.
Genome position (GRCh38, 1-based): chr1:244,858,837, T deleted on the plus strand (A on the coding strand, the reverse complement: HNRNPU is on the minus strand); the first of 2 consecutive T bases (chr1:244,858,837-244,858,838); deleting either gives the same sequence. VCF-style (leftmost placement, unchanged base first): chr1-244858836-CT-C. GRCh37 (hg19) VCF-style: chr1-245022138-CT-C.
Other names: c.1065del, p.Glu356fs (NM_004501.3); short protein forms E375fs, E356fs.
Identifiers: ClinVar variation 2017677 (VCV002017677.4), dbSNP rs2527880675, ClinGen allele CA2580063500.